The following is an entry in ClinVar:

ClinVar aggregate classification (germline): Uncertain significance (1 of 4 stars; one submission).

Conditions:
Fetal anomalies with a likely genetic cause.

gnomAD v4.1: 34 of 1,614,074 alleles (0.0021%); highest among the groups gnomAD compares: Non-Finnish European, 0.0029%; no homozygotes.

Submission:

Genetics Laboratory, Great Ormond Street Hospital NHS Foundation Trust, North Thames Genomic Laboratory Hub
Classification: Uncertain significance for Fetal anomalies with a likely genetic cause. Last evaluated: 2026-02-03. Review status: criteria provided, single submitter. Criteria: ACGS Best Practice Guidelines for Variant Classification in Rare Disease 2024 v1.2. Collection method: clinical testing. Allele origin: germline. Affected: yes.
Comment: PM2_moderate, PP3_supporting, PP2_supporting

NM_001256012.3(MYH10):c.1318G>A (p.Glu440Lys)

Gene: MYH10 (myosin heavy chain 10; minus strand). Cytogenetic location: 17p13.1.
Variant type: single nucleotide variant.
Coding change: c.1318G>A on transcript NM_001256012.3 (MANE Select); coding-DNA position 1318, G replaced by A.
Protein change: p.Glu440Lys; replaces glutamic acid 440 with lysine.
Molecular consequence: missense variant.
Genome position (GRCh38, 1-based): chr17:8,545,561, C>T on the plus strand (G>A on the coding strand, the complement: MYH10 is on the minus strand). VCF-style: chr17-8545561-C-T. GRCh37 (hg19) VCF-style: chr17-8448879-C-T.
Other names: c.1315G>A, p.Glu439Lys (NM_001256095.2); c.1318G>A, p.Glu440Lys (NM_001375266.1); c.1288G>A, p.Glu430Lys (NM_005964.5); short protein forms E430K, E439K, E440K.
Identifiers: ClinVar variation 4819302 (VCV004819302.1).